The following is an entry in ClinVar:

NM_016604.4(KDM3B):c.3489T>C (p.Gly1163=)

Gene: KDM3B (lysine demethylase 3B; plus strand). Cytogenetic location: 5q31.2.
Variant type: single nucleotide variant.
Coding change: c.3489T>C on transcript NM_016604.4 (MANE Select); coding-DNA position 3489, T replaced by C.
Protein change: p.Gly1163=; no amino-acid change (glycine 1163 retained).
Molecular consequence: synonymous variant.
Genome position (GRCh38, 1-based): chr5:138,419,006, T>C. VCF-style: chr5-138419006-T-C. GRCh37 (hg19) VCF-style: chr5-137754695-T-C.
Other names: c.3489T>C (NM_016604.3).
Identifiers: ClinVar variation 1300058 (VCV001300058.6), dbSNP rs7726234, ClinGen allele CA3429269.

ClinVar aggregate classification (germline): Benign. Review status: criteria provided, multiple submitters, no conflicts (2 of 4 stars). 3 submissions from 3 submitters: Benign (2). 1 of the submissions does not count toward it. Last evaluated 2021-08-19.

Conditions:
Diets-Jongmans syndrome. Also called: INTELLECTUAL DEVELOPMENTAL DISORDER WITH DISTINCTIVE FACIAL DYSMORPHISM. Identifiers: MedGen C5394263, MONDO:0030012, OMIM 618846.
KDM3B-related disorder. Also called: KDM3B-related condition.

Allele frequency attached by ClinVar (database versions not stated): ESP Exome Variant Server 0.58396; gnomAD 0.59155 and 0.59978; gnomAD exomes 0.60217 and 0.63962; TOPMed 0.60869; ExAC 0.63886; 1000 Genomes Project 30x 0.66943; 1000 Genomes Project 0.67812.
gnomAD v4.1: 971,852 of 1,613,784 alleles (60%); highest among the groups gnomAD compares: East Asian, 86%; 296,480 homozygotes.

Submissions (3):

Genome-Nilou Lab
Classification: Benign for Diets-Jongmans syndrome. Last evaluated: 2021-08-19. Review status: criteria provided, single submitter. Criteria: ACMG Guidelines, 2015. Collection method: clinical testing. Allele origin: germline. Affected: no.

GeneDx
Classification: Benign. Last evaluated: 2021-07-28. Review status: criteria provided, single submitter. Criteria: GeneDx Variant Classification Process June 2021. Collection method: clinical testing. Allele origin: germline. Affected: yes.

PreventionGenetics, part of Exact Sciences
Classification: Benign for KDM3B-related condition. Last evaluated: 2019-10-29. Review status: no assertion criteria provided. Collection method: clinical testing. Allele origin: germline. Not counted in ClinVar's aggregate classification.
Comment: This variant is classified as benign based on ACMG/AMP sequence variant interpretation guidelines (Richards et al. 2015 PMID: 25741868, with internal and published modifications).